The following is an entry in ClinVar:

NM_176787.5(PIGN):c.1418T>C (p.Val473Ala)

Gene: PIGN (phosphatidylinositol glycan anchor biosynthesis class N; minus strand). Cytogenetic location: 18q21.33.
Variant type: single nucleotide variant.
Coding change: c.1418T>C on transcript NM_176787.5 (MANE Select); coding-DNA position 1418, T replaced by C.
Protein change: p.Val473Ala; replaces valine 473 with alanine.
Molecular consequence: missense variant.
Genome position (GRCh38, 1-based): chr18:62,113,150, A>G on the plus strand (T>C on the coding strand, the complement: PIGN is on the minus strand). VCF-style: chr18-62113150-A-G. GRCh37 (hg19) VCF-style: chr18-59780383-A-G.
Other names: c.1418T>C, p.Val473Ala (NM_012327.6); short protein forms V473A.
Identifiers: ClinVar variation 586227 (VCV000586227.9), dbSNP rs922043983, ClinGen allele CA301711273.

ClinVar aggregate classification (germline): Uncertain significance. Review status: criteria provided, multiple submitters, no conflicts (2 of 4 stars). 2 submissions from 2 submitters: Uncertain significance (2). Last evaluated 2022-07-26.

Conditions:
Multiple congenital anomalies-hypotonia-seizures syndrome 1 (MCAHS1). Also called: GLYCOSYLPHOSPHATIDYLINOSITOL BIOSYNTHESIS DEFECT 3; PIGN-CDG; Congenital disorder of glycosylation due to PIGN deficiency. Identifiers: Orphanet 280633, MedGen C3279775, MONDO:0013563, OMIM 614080.

Allele frequency attached by ClinVar (database versions not stated): TOPMed 0.00003; gnomAD exomes below 0.00001; gnomAD 0.00004.
gnomAD v4.1: 27 of 1,608,596 alleles (0.0017%); highest among the groups gnomAD compares: African/African-American, 0.023%; no homozygotes.

Submissions (2):

Labcorp Genetics (formerly Invitae), Labcorp
Classification: Uncertain significance for Multiple congenital anomalies-hypotonia-seizures syndrome 1. Last evaluated: 2022-07-26. Review status: criteria provided, single submitter. Criteria: Invitae Variant Classification Sherloc (09022015). Collection method: clinical testing. Allele origin: germline.
Comment: This sequence change replaces valine, which is neutral and non-polar, with alanine, which is neutral and non-polar, at codon 473 of the PIGN protein (p.Val473Ala). This variant is present in population databases (no rsID available, gnomAD 0.004%). This variant has not been reported in the literature in individuals affected with PIGN-related conditions. ClinVar contains an entry for this variant (Variation ID: 586227). Algorithms developed to predict the effect of missense changes on protein structure and function output the following: SIFT: "Tolerated"; PolyPhen-2: "Benign"; Align-GVGD: "Class C0". The alanine amino acid residue is found in multiple mammalian species, which suggests that this missense change does not adversely affect protein function. In summary, the available evidence is currently insufficient to determine the role of this variant in disease. Therefore, it has been classified as a Variant of Uncertain Significance.

Athena Diagnostics
Classification: Uncertain significance. Last evaluated: 2018-06-28. Review status: criteria provided, single submitter. Criteria: Athena Diagnostics Criteria. Collection method: clinical testing. Allele origin: germline.